The following is an entry in ClinVar:

ClinVar aggregate classification (germline): Uncertain significance. Review status: criteria provided, multiple submitters, no conflicts (2 of 4 stars). 2 submissions from 2 submitters: Uncertain significance (2). Last evaluated 2025-12-17.

Conditions:
Hereditary cancer-predisposing syndrome. Also called: Tumor predisposition; Hereditary Cancer Syndrome; Hereditary neoplastic syndrome; Neoplastic Syndromes, Hereditary. Identifiers: Orphanet 140162, MedGen C0027672, MeSH D009386, MONDO:0015356.
Multiple endocrine neoplasia, type 2 (MEN2). Identifiers: Orphanet 653, MedGen C4048306, MONDO:0019003. Disease mechanism: gain of function.

gnomAD v4.1: 2 of 1,614,126 alleles (0.00012%); highest among the groups gnomAD compares: Non-Finnish European, 0.00017%; no homozygotes.

Submissions (2):

Ambry Genetics
Classification: Uncertain significance for Hereditary cancer-predisposing syndrome. Last evaluated: 2025-12-17. Review status: criteria provided, single submitter. Criteria: Ambry Variant Classification Scheme 2023. Collection method: clinical testing. Allele origin: germline.
Comment: The p.P560A variant (also known as c.1678C>G), located in coding exon 9 of the RET gene, results from a C to G substitution at nucleotide position 1678. The proline at codon 560 is replaced by alanine, an amino acid with highly similar properties. This amino acid position is conserved. In addition, the in silico prediction for this alteration is inconclusive. Based on the available evidence, the clinical significance of this variant remains unclear.

Labcorp Genetics (formerly Invitae), Labcorp
Classification: Uncertain significance for Multiple endocrine neoplasia, type 2. Last evaluated: 2024-01-19. Review status: criteria provided, single submitter. Criteria: Invitae Variant Classification Sherloc (09022015). Collection method: clinical testing. Allele origin: germline.
Comment: This sequence change replaces proline, which is neutral and non-polar, with alanine, which is neutral and non-polar, at codon 560 of the RET protein (p.Pro560Ala). This variant is not present in population databases (gnomAD no frequency). This variant has not been reported in the literature in individuals affected with RET-related conditions. An algorithm developed to predict the effect of missense changes on protein structure and function (PolyPhen-2) suggests that this variant is likely to be disruptive. In summary, the available evidence is currently insufficient to determine the role of this variant in disease. Therefore, it has been classified as a Variant of Uncertain Significance.

NM_020975.6(RET):c.1678C>G (p.Pro560Ala)

Gene: RET (ret proto-oncogene; plus strand). Cytogenetic location: 10q11.21.
Variant type: single nucleotide variant.
Coding change: c.1678C>G on transcript NM_020975.6 (MANE Select); coding-DNA position 1678, C replaced by G.
Protein change: p.Pro560Ala; replaces proline 560 with alanine.
Molecular consequence: missense variant.
Genome position (GRCh38, 1-based): chr10:43,112,882, C>G. VCF-style: chr10-43112882-C-G. GRCh37 (hg19) VCF-style: chr10-43608330-C-G.
Other names: c.1678C>G, p.Pro560Ala (NM_000323.2, NM_001406743.1, NM_001406744.1 and 6 more transcripts); c.916C>G, p.Pro306Ala (NM_001355216.2); c.1549C>G, p.Pro517Ala (NM_001406761.1, NM_001406762.1, NM_001406764.1 and 1 more transcripts); c.1390C>G, p.Pro464Ala (NM_001406766.1, NM_001406767.1, NM_001406770.1); c.781C>G, p.Pro261Ala (NM_001406779.1, NM_001406780.1, NM_001406781.1 and 3 more transcripts); c.652C>G, p.Pro218Ala (NM_001406783.1, NM_001406786.1); c.688C>G, p.Pro230Ala (NM_001406784.1); c.493C>G, p.Pro165Ala (NM_001406788.1, NM_001406789.1, NM_001406790.1 and 1 more transcripts); and 5 more; short protein forms P218A, P261A, P318A, P517A, P77A, P230A, P428A, P464A.
Identifiers: ClinVar variation 2710271 (VCV002710271.4), dbSNP rs748852160, ClinGen allele CA376551846.
Genomic context (GRCh38, chr10:43,112,882, plus strand): 5'-TGGGTGACAGCCTGCTGTGTGTCCTGTGCAGGGATCACCAGGAACTTCTCCACCTGCTCT[C>G]CCAGCACCAAGACCTGCCCCGACGGCCACTGCGATGTTGTGGAGACCCAAGACATCAACA-3'
Protein context (NP_066124.1, residues 550-570): GITRNFSTCS[Pro560Ala]STKTCPDGHC